The following is an entry in ClinVar:

ClinVar aggregate classification (germline): Uncertain significance. Review status: criteria provided, multiple submitters, no conflicts (2 of 4 stars). 3 submissions from 3 submitters: Uncertain significance (3). Last evaluated 2024-12-16.

Conditions:
Melanoma and neural system tumor syndrome. Also called: MELANOMA-ASTROCYTOMA SYNDROME. Identifiers: Orphanet 252206, MedGen C1835042, MONDO:0007967, OMIM 155755.
Hereditary cancer-predisposing syndrome. Also called: Tumor predisposition; Hereditary Cancer Syndrome; Neoplastic Syndromes, Hereditary; Hereditary neoplastic syndrome. Identifiers: Orphanet 140162, MedGen C0027672, MeSH D009386, MONDO:0015356.
Familial melanoma. Also called: Hereditary melanoma; Hereditary cutaneous melanoma. Identifiers: Orphanet 618, MedGen C1512419, MONDO:0018961.

Allele frequency attached by ClinVar (database versions not stated): gnomAD exomes below 0.00001; gnomAD 0.00001; TOPMed 0.00001.
gnomAD v4.1: 3 of 1,611,942 alleles (0.00019%); highest among the groups gnomAD compares: African/African-American, 0.004%; no homozygotes.

Submissions (3):

Labcorp Genetics (formerly Invitae), Labcorp
Classification: Uncertain significance for Familial melanoma. Last evaluated: 2024-12-16. Review status: criteria provided, single submitter. Criteria: Invitae Variant Classification Sherloc (09022015). Collection method: clinical testing. Allele origin: germline.
Comment: This sequence change replaces glycine, which is neutral and non-polar, with aspartic acid, which is acidic and polar, at codon 150 of the CDKN2A (p16INK4a) protein (p.Gly150Asp). This variant is present in population databases (no rsID available, gnomAD 0.007%). This variant has not been reported in the literature in individuals affected with CDKN2A (p16INK4a)-related conditions. ClinVar contains an entry for this variant (Variation ID: 483331). An algorithm developed to predict the effect of missense changes on protein structure and function outputs the following: PolyPhen-2: "Benign". The aspartic acid amino acid residue is found in multiple mammalian species, which suggests that this missense change does not adversely affect protein function. In summary, the available evidence is currently insufficient to determine the role of this variant in disease. Therefore, it has been classified as a Variant of Uncertain Significance.

Ambry Genetics
Classification: Uncertain significance for Hereditary cancer-predisposing syndrome. Last evaluated: 2024-08-20. Review status: criteria provided, single submitter. Criteria: Ambry Variant Classification Scheme 2023. Collection method: clinical testing. Allele origin: germline.
Comment: The p.G150D variant (also known as c.449G>A), located in coding exon 2 of the CDKN2A gene, results from a G to A substitution at nucleotide position 449. The glycine at codon 150 is replaced by aspartic acid, an amino acid with similar properties. Of note, this alteration is also known as c.492G>A in the p14(ARF) isoform. This amino acid position is not well conserved in available vertebrate species. In addition, this alteration is predicted to be tolerated by in silico analysis. Based on the available evidence, the clinical significance of this variant remains unclear.

Baylor Genetics
Classification: Uncertain significance for Melanoma and neural system tumor syndrome. Last evaluated: 2024-02-14. Review status: criteria provided, single submitter. Criteria: ACMG Guidelines, 2015. Collection method: clinical testing. Allele origin: unknown.

NM_000077.5(CDKN2A):c.449G>A (p.Gly150Asp)

Gene: CDKN2A (cyclin dependent kinase inhibitor 2A; minus strand). Cytogenetic location: 9p21.3.
Variant type: single nucleotide variant.
Coding change: c.449G>A on transcript NM_000077.5; coding-DNA position 449, G replaced by A.
Protein change: p.Gly150Asp; replaces glycine 150 with aspartic acid.
Molecular consequence: missense variant (on NM_000077.6). On other transcripts: 3 prime UTR variant (2).
Genome position (GRCh38, 1-based): chr9:21,970,910, C>T on the plus strand (G>A on the coding strand, the complement: CDKN2A is on the minus strand). VCF-style: chr9-21970910-C-T. GRCh37 (hg19) VCF-style: chr9-21970909-C-T.
Other names: c.449G>A, p.Gly150Asp (NM_000077.6, NM_001195132.2); c.296G>A, p.Gly99Asp (NM_001363763.2); c.*93G>A (NM_058195.4); c.*372G>A (NM_058197.5); short protein forms G150D, G99D.
Identifiers: ClinVar variation 483331 (VCV000483331.15), dbSNP rs1181255434, ClinGen allele CA373085820.
Genomic context (GRCh38, chr9:21,970,910, plus strand): 5'-TCTGAGCTTTGGAAGCTCTCAGGGTACAAATTCTCAGATCATCAGTCCTCACCTGAGGGA[C>T]CTTCCGCGGCATCTATGCGGGCATGGTTACTGCCTCTGGTGCCCCCCGCAGCCGCGCGCA-3'
Protein context (NP_000068.1, residues 140-156): SNHARIDAAE[Gly150Asp]PSDIPD